The following is an entry in ClinVar:

ClinVar aggregate classification (germline): Uncertain significance. Review status: criteria provided, multiple submitters, no conflicts (2 of 4 stars). 3 submissions from 3 submitters: Uncertain significance (3). Last evaluated 2022-04-17.

Conditions:
Hereditary breast ovarian cancer syndrome. Also called: Hereditary breast and ovarian cancer; Hereditary breast and/or ovarian cancer syndrome; BRCA1- and BRCA2-Associated Hereditary Breast and Ovarian Cancer; Hereditary breast and ovarian cancer syndrome; Hereditary breast and ovarian cancer syndrome (HBOC); Breast and ovarian cancer. Identifiers: Orphanet 145, MedGen C0677776, MeSH D061325, MONDO:0003582. Disease mechanism: loss of function.
Hereditary cancer-predisposing syndrome. Also called: Tumor predisposition; Hereditary Cancer Syndrome; Hereditary neoplastic syndrome; Neoplastic Syndromes, Hereditary. Identifiers: Orphanet 140162, MedGen C0027672, MeSH D009386, MONDO:0015356.

Allele frequency attached by ClinVar (database versions not stated): gnomAD exomes 0.00001; ExAC 0.00002.
gnomAD v4.1: 6 of 1,613,970 alleles (0.00037%); highest among the groups gnomAD compares: South Asian, 0.0055%; no homozygotes.

Submissions (3):

Labcorp Genetics (formerly Invitae), Labcorp
Classification: Uncertain significance for Hereditary breast ovarian cancer syndrome. Last evaluated: 2022-04-17. Review status: criteria provided, single submitter. Criteria: Invitae Variant Classification Sherloc (09022015). Collection method: clinical testing. Allele origin: germline.
Comment: This sequence change replaces threonine, which is neutral and polar, with isoleucine, which is neutral and non-polar, at codon 3211 of the BRCA2 protein (p.Thr3211Ile). In summary, the available evidence is currently insufficient to determine the role of this variant in disease. Therefore, it has been classified as a Variant of Uncertain Significance. This variant has not been reported in the literature in individuals affected with BRCA2-related conditions. This variant is present in population databases (rs730881583, gnomAD 0.01%). Advanced modeling of protein sequence and biophysical properties (such as structural, functional, and spatial information, amino acid conservation, physicochemical variation, residue mobility, and thermodynamic stability) performed at Invitae indicates that this missense variant is not expected to disrupt BRCA2 protein function. ClinVar contains an entry for this variant (Variation ID: 409547).

Quest Diagnostics Nichols Institute San Juan Capistrano
Classification: Uncertain significance. Last evaluated: 2019-10-18. Review status: criteria provided, single submitter. Criteria: Quest Diagnostics criteria. Collection method: clinical testing. Allele origin: unknown.

Color Diagnostics, LLC DBA Color Health
Classification: Uncertain significance for Hereditary cancer-predisposing syndrome. Last evaluated: 2019-05-08. Review status: criteria provided, single submitter. Criteria: ACMG Guidelines, 2015. Collection method: clinical testing. Allele origin: germline.

NM_000059.4(BRCA2):c.9632C>T (p.Thr3211Ile)

Gene: BRCA2 (BRCA2 DNA repair associated; plus strand). Cytogenetic location: 13q13.1.
Variant type: single nucleotide variant.
Coding change: c.9632C>T on transcript NM_000059.4 (MANE Select); coding-DNA position 9632, C replaced by T.
Protein change: p.Thr3211Ile; replaces threonine 3211 with isoleucine.
Molecular consequence: missense variant.
Genome position (GRCh38, 1-based): chr13:32,397,028, C>T. VCF-style: chr13-32397028-C-T. GRCh37 (hg19) VCF-style: chr13-32971165-C-T.
Other names: short protein forms T3211I.
Identifiers: ClinVar variation 409547 (VCV000409547.13), dbSNP rs730881583, ClinGen allele CA6941419.
Genomic context (GRCh38, chr13:32,397,028, plus strand): 5'-GGTCCACCCCAACTAAAGACTGTACTTCAGGGCCGTACACTGCTCAAATCATTCCTGGTA[C>T]AGGAAACAAGCTTCTGGTAAGTTAATGTAAACTCAAGGAATATTATAAGAAGTATATATG-3'
Protein context (NP_000050.3, residues 3201-3221): GPYTAQIIPG[Thr3211Ile]GNKLLMSSPN